The following is an entry in ClinVar:

ClinVar aggregate classification (germline): Conflicting classifications of pathogenicity. Review status: criteria provided, conflicting classifications (1 of 4 stars). 4 submissions from 3 submitters: Uncertain significance (2); Benign (1). 1 of the submissions does not count toward it. Last evaluated 2018-01-13.

Conditions:
FKTN-related disorder. Also called: FKTN-related condition; FKTN-related disorders.
Muscular dystrophy-dystroglycanopathy (congenital with brain and eye anomalies), type A, 4 (MDDGA4). Also called: Fukuyama congenital muscular dystrophy; Walker-Warburg Syndrome, Fktn-Related; Muscular dystrophy, congenital progressive, with mental retardation; Muscular dystrophy, congenital, with central nervous system involvement; Cerebromuscular dystrophy, Fukuyama type; Congenital muscular dystrophy-dystroglycanopathy with brain and eye anomalies, type A4. Identifiers: Orphanet 272, Orphanet 588, Orphanet 899, MedGen C0410174, MONDO:0009678, OMIM 253800.
Dilated cardiomyopathy 1X (CMD1X). Also called: FKTN-Related Dilated Cardiomyopathy; CARDIOMYOPATHY, DILATED, WITH MILD OR NO PROXIMAL MUSCLE WEAKNESS. Identifiers: Orphanet 154, MedGen C1969024, MONDO:0012704, OMIM 611615.

Allele frequency attached by ClinVar (database versions not stated): 1000 Genomes Project 0.00180; gnomAD 0.00186 and 0.00201; TOPMed 0.00217; 1000 Genomes Project 30x 0.00219.

Submissions (4):

Illumina Laboratory Services, Illumina
Classification: Uncertain significance for Muscular dystrophy-dystroglycanopathy (congenital with brain and eye anomalies), type A, 4. Last evaluated: 2018-01-13. Review status: criteria provided, single submitter. Criteria: ICSL Variant Classification Criteria 13 December 2019. Collection method: clinical testing. Allele origin: germline.

Illumina Laboratory Services, Illumina
Classification: Uncertain significance for Dilated cardiomyopathy 1X. Last evaluated: 2018-01-13. Review status: criteria provided, single submitter. Criteria: ICSL Variant Classification Criteria 13 December 2019. Collection method: clinical testing. Allele origin: germline.

GeneDx
Classification: Benign. Last evaluated: 2015-04-28. Review status: criteria provided, single submitter. Criteria: GeneDx Variant Classification (06012015). Collection method: clinical testing. Allele origin: germline. Affected: yes.
Comment: This variant is considered likely benign or benign based on one or more of the following criteria: it is a conservative change, it occurs at a poorly conserved position in the protein, it is predicted to be benign by multiple in silico algorithms, and/or has population frequency not consistent with disease.

PreventionGenetics, part of Exact Sciences
Classification: Likely benign for FKTN-related condition. Last evaluated: 2022-06-24. Review status: no assertion criteria provided. Collection method: clinical testing. Allele origin: germline. Not counted in ClinVar's aggregate classification.
Comment: This variant is classified as likely benign based on ACMG/AMP sequence variant interpretation guidelines (Richards et al. 2015 PMID: 25741868, with internal and published modifications).

NM_001079802.2(FKTN):c.-96T>C

Gene: FKTN (fukutin; plus strand). Cytogenetic location: 9q31.2.
Variant type: single nucleotide variant.
Coding change: c.-96T>C on transcript NM_001079802.2 (MANE Select); 96 bases upstream of the start codon, T replaced by C.
Molecular consequence: 5 prime UTR variant. On other transcripts: non-coding transcript variant (1), intron variant (3).
Genome position (GRCh38, 1-based): chr9:105,573,739, T>C. VCF-style: chr9-105573739-T-C. GRCh37 (hg19) VCF-style: chr9-108336020-T-C.
Other names: c.-96T>C (NM_001198963.2); c.-231T>C (NM_001351496.2); c.-398T>C (NM_001351497.2); c.-745T>C (NM_001351499.2); c.-610T>C (NM_001351500.2); c.-691T>C (NM_001351502.2); c.-88-1206T>C (NM_006731.2, NM_001351498.2); c.-602-1206T>C (NM_001351501.2).
Identifiers: ClinVar variation 364486 (VCV000364486.7), dbSNP rs151250905, ClinGen allele CA10632111.